The following is an entry in ClinVar:

NM_001042492.3(NF1):c.2856del (p.Leu952fs)

Gene: NF1 (neurofibromin 1; plus strand). Cytogenetic location: 17q11.2.
Variant type: Deletion.
Coding change: c.2856del on transcript NM_001042492.3 (MANE Select); coding-DNA position 2856, one base deleted (A; older notation c.2856delA).
Protein change: p.Leu952fs; shifts the reading frame from leucine 952.
Molecular consequence: frameshift variant.
Genome position (GRCh38, 1-based): chr17:31,229,840, A deleted. VCF-style (leftmost placement, unchanged base first): chr17-31229839-TA-T. GRCh37 (hg19) VCF-style: chr17-29556857-TA-T.
Other names: c.2856delA, p.Leu952Phefs (NM_000267.4); short protein forms L952fs.
Identifiers: ClinVar variation 1071917 (VCV001071917.5), dbSNP rs2151430476, ClinGen allele CA2499224070.

ClinVar aggregate classification (germline): Pathogenic (1 of 4 stars; one submission).

Conditions:
Neurofibromatosis, type 1 (NF1). Also called: VON RECKLINGHAUSEN DISEASE; Peripheral type neurofibromatosis; NEUROFIBROMATOSIS, TYPE I, SOMATIC; Neurofibromatosis, type I. Identifiers: Orphanet 636, MedGen C0027831, MONDO:0018975, OMIM 162200. Disease mechanism: loss of function.

Submission:

Labcorp Genetics (formerly Invitae), Labcorp
Classification: Pathogenic for Neurofibromatosis, type 1. Last evaluated: 2020-03-10. Review status: criteria provided, single submitter. Criteria: Invitae Variant Classification Sherloc (09022015). Collection method: clinical testing. Allele origin: germline.
Comment: This variant is not present in population databases (ExAC no frequency). This sequence change creates a premature translational stop signal (p.Leu952Phefs*2) in the NF1 gene. It is expected to result in an absent or disrupted protein product. This variant has not been reported in the literature in individuals with NF1-related conditions. For these reasons, this variant has been classified as Pathogenic. Loss-of-function variants in NF1 are known to be pathogenic (PMID: 10712197, 23913538).

Literature cited by the submitters: PubMed 10712197; PubMed 23913538.